The following is an entry in ClinVar:

ClinVar aggregate classification (germline): Uncertain significance (1 of 4 stars; one submission).

Submission:

GeneDx
Classification: Uncertain significance. Last evaluated: 2026-04-14. Review status: criteria provided, single submitter. Criteria: GeneDx Variant Classification Process June 2021. Collection method: clinical testing. Allele origin: germline.
Comment: Not observed at significant frequency in large population cohorts (gnomAD); In silico analysis supports that this missense variant has a deleterious effect on protein structure/function; Has not been previously published as pathogenic or benign to our knowledge

NM_001367721.1(CASK):c.1306C>A (p.His436Asn)

Gene: CASK (calcium/calmodulin dependent serine protein kinase; minus strand). Cytogenetic location: Xp11.4.
Variant type: single nucleotide variant.
Coding change: c.1306C>A on transcript NM_001367721.1 (MANE Select); coding-DNA position 1306, C replaced by A.
Protein change: p.His436Asn; replaces histidine 436 with asparagine.
Molecular consequence: missense variant.
Genome position (GRCh38, 1-based): chrX:41,586,915, G>T on the plus strand (C>A on the coding strand, the complement: CASK is on the minus strand). VCF-style: chrX-41586915-G-T. GRCh37 (hg19) VCF-style: chrX-41446168-G-T.
Other names: c.1288C>A, p.His430Asn (NM_001126055.3, NM_001410745.1); c.1306C>A, p.His436Asn (NM_003688.4, NM_001126054.3); short protein forms H430N, H436N.
Identifiers: ClinVar variation 4537598 (VCV004537598.2).